The following is an entry in ClinVar:

ClinVar aggregate classification (germline): Likely pathogenic (1 of 4 stars; one submission).

Conditions:
Charcot-Marie-Tooth disease axonal type 2P. Also called: CHARCOT-MARIE-TOOTH DISEASE, AXONAL, TYPE 2G; CMT 2G; CHARCOT-MARIE-TOOTH NEUROPATHY, TYPE 2P; Charcot-Marie-Tooth Neuropathy Type 2G. Identifiers: Orphanet 300319, Orphanet 99941, MedGen C3280797, MONDO:0013753, OMIM 614436.

Submission:

MGZ Medical Genetics Center
Classification: Likely pathogenic for Charcot-Marie-Tooth disease axonal type 2P. Last evaluated: 2022-08-04. Review status: criteria provided, single submitter. Criteria: ACMG Guidelines, 2015. Collection method: clinical testing. Allele origin: germline. Affected: yes. Observed: 1 variant allele.
Comment: ACMG criteria applied: PVS1, PM2_SUP

NM_001005373.4(LRSAM1):c.1159+1G>A

Gene: LRSAM1 (leucine rich repeat and sterile alpha motif containing 1; plus strand). Cytogenetic location: 9q33.3.
Variant type: single nucleotide variant.
Coding change: c.1159+1G>A on transcript NM_001005373.4 (MANE Select); the canonical splice donor site of the intron after coding-DNA position 1159, G replaced by A.
Molecular consequence: splice donor variant.
Genome position (GRCh38, 1-based): chr9:127,483,021, G>A. VCF-style: chr9-127483021-G-A. GRCh37 (hg19) VCF-style: chr9-130245300-G-A.
Other names: c.1159+1G>A (NM_138361.5, NM_001384142.1, NM_001384143.1 and 2 more transcripts); c.370+1G>A (NM_001384144.1).
Identifiers: ClinVar variation 1709712 (VCV001709712.2), dbSNP rs2539396830, ClinGen allele CA374932125.